The following is an entry in ClinVar:

NM_001037333.3(CYFIP2):c.2929C>T (p.His977Tyr)

Gene: CYFIP2 (cytoplasmic FMR1 interacting protein 2; plus strand). Cytogenetic location: 5q33.3.
Variant type: single nucleotide variant.
Coding change: c.2929C>T on transcript NM_001037333.3 (MANE Select); coding-DNA position 2929, C replaced by T.
Protein change: p.His977Tyr; replaces histidine 977 with tyrosine.
Molecular consequence: missense variant.
Genome position (GRCh38, 1-based): chr5:157,361,488, C>T. VCF-style: chr5-157361488-C-T. GRCh37 (hg19) VCF-style: chr5-156788496-C-T.
Other names: c.2851C>T, p.His951Tyr (NM_001291721.2); c.3004C>T, p.His1002Tyr (NM_001291722.2); c.2929C>T, p.His977Tyr (NM_014376.4); short protein forms H977Y, H951Y, H1002Y.
Identifiers: ClinVar variation 3655460 (VCV003655460.2).

ClinVar aggregate classification (germline): Uncertain significance (1 of 4 stars; one submission).

Submission:

Labcorp Genetics (formerly Invitae), Labcorp
Classification: Uncertain significance. Last evaluated: 2024-06-14. Review status: criteria provided, single submitter. Criteria: Invitae Variant Classification Sherloc (09022015). Collection method: clinical testing. Allele origin: germline.
Comment: This sequence change replaces histidine, which is basic and polar, with tyrosine, which is neutral and polar, at codon 977 of the CYFIP2 protein (p.His977Tyr). This variant is not present in population databases (gnomAD no frequency). This variant has not been reported in the literature in individuals affected with CYFIP2-related conditions. Experimental studies and prediction algorithms are not available or were not evaluated, and the functional significance of this variant is currently unknown. In summary, the available evidence is currently insufficient to determine the role of this variant in disease. Therefore, it has been classified as a Variant of Uncertain Significance.